The following is an entry in ClinVar:

ClinVar aggregate classification (germline): Pathogenic (1 of 4 stars; one submission).

Conditions:
Polycystic kidney disease, adult type (PKD1). Also called: Polycystic Kidney Disease 1, Autosomal Dominant; Polycystic kidney disease 1; Polycystic kidney disease 1, severe; POLYCYSTIC KIDNEY DISEASE 1 WITH OR WITHOUT POLYCYSTIC LIVER DISEASE; POLYCYSTIC KIDNEY DISEASE, ADULT, TYPE I; Polycystic Kidney, Autosomal Dominant. Identifiers: MedGen C3149841, MONDO:0008263, OMIM 173900.

Submission:

MVZ Medizinische Genetik Mainz
Classification: Pathogenic for Polycystic kidney disease, adult type. Last evaluated: 2024-06-11. Review status: criteria provided, single submitter. Criteria: UK Practice Guidelines For Variant Classification V4 01 2020. Collection method: clinical testing. Allele origin: germline. Inheritance: Autosomal dominant inheritance. Affected: yes. Observed: 1 variant allele.
Comment: ACMG Criteria: PVS1,PM2_SUP,PP4

NM_001009944.3(PKD1):c.6684C>G (p.Tyr2228Ter)

Gene: PKD1 (polycystin 1, transient receptor potential channel interacting; minus strand). Cytogenetic location: 16p13.3.
Variant type: single nucleotide variant.
Coding change: c.6684C>G on transcript NM_001009944.3 (MANE Select); coding-DNA position 6684, C replaced by G.
Protein change: p.Tyr2228Ter; replaces tyrosine 2228 with a stop codon.
Molecular consequence: nonsense.
Genome position (GRCh38, 1-based): chr16:2,108,483, G>C on the plus strand (C>G on the coding strand, the complement: PKD1 is on the minus strand). VCF-style: chr16-2108483-G-C. GRCh37 (hg19) VCF-style: chr16-2158484-G-C.
Other names: c.6684C>G, p.Tyr2228Ter (NM_000296.4); short protein forms Y2228*.
Identifiers: ClinVar variation 3248538 (VCV003248538.1), dbSNP rs149862983.
Genomic context (GRCh38, chr16:2,108,483, plus strand): 5'-ATTGGCCTGGATGCTCTGTGTCAGTGGCGTGTCCCCAAATGACACGACAAACACAAAGCA[G>C]TAGTGCCCCACAGGCAGCGCCAGCCGCGGCAGCACCAGCCGAGGCCGGCTCACGTCCACG-3'